The following is an entry in ClinVar:

NM_000090.4(COL3A1):c.1604T>G (p.Met535Arg)

Gene: COL3A1 (collagen type III alpha 1 chain; plus strand). Cytogenetic location: 2q32.2.
Variant type: single nucleotide variant.
Coding change: c.1604T>G on transcript NM_000090.4 (MANE Select); coding-DNA position 1604, T replaced by G.
Protein change: p.Met535Arg; replaces methionine 535 with arginine.
Molecular consequence: missense variant.
Genome position (GRCh38, 1-based): chr2:188,995,786, T>G. VCF-style: chr2-188995786-T-G. GRCh37 (hg19) VCF-style: chr2-189860512-T-G.
Other names: short protein forms M535R.
Identifiers: ClinVar variation 1776245 (VCV001776245.4), dbSNP rs2469133061, ClinGen allele CA349852313.

ClinVar aggregate classification (germline): Uncertain significance. Review status: criteria provided, multiple submitters, no conflicts (2 of 4 stars). 2 submissions from 2 submitters: Uncertain significance (2). Last evaluated 2022-07-19.

Conditions:
Familial thoracic aortic aneurysm and aortic dissection (TAAD). Also called: Thoracic aortic aneurysms and dissections. Identifiers: Orphanet 91387, MedGen C4707243, MONDO:0019625.

Submissions (2):

GeneDx
Classification: Uncertain significance. Last evaluated: 2022-07-19. Review status: criteria provided, single submitter. Criteria: GeneDx Variant Classification Process June 2021. Collection method: clinical testing. Allele origin: germline. Affected: yes.
Comment: Not observed at significant frequency in large population cohorts (gnomAD); Occurs in the triple helical domain at the X position in the canonical Gly-X-Y repeat; although this variant may have an effect on normal protein folding and function, missense substitution at the X position is not a common mechanism of disease (HGMD); In silico analysis supports that this missense variant does not alter protein structure/function; Has not been previously published as pathogenic or benign to our knowledge

Ambry Genetics
Classification: Uncertain significance for Familial thoracic aortic aneurysm and aortic dissection. Last evaluated: 2019-10-08. Review status: criteria provided, single submitter. Criteria: Ambry Variant Classification Scheme 2023. Collection method: clinical testing. Allele origin: germline.
Comment: The p.M535R variant (also known as c.1604T>G), located in coding exon 22 of the COL3A1 gene, results from a T to G substitution at nucleotide position 1604. The methionine at codon 535 is replaced by arginine, an amino acid with similar properties. This amino acid position is not well conserved in available vertebrate species. In addition, the in silico prediction for this alteration is inconclusive. Since supporting evidence is limited at this time, the clinical significance of this alteration remains unclear.